The following is an entry in ClinVar:

ClinVar aggregate classification (germline): Uncertain significance (1 of 4 stars; one submission).

gnomAD v4.1: 1 of 1,613,794 alleles (0.000062%); highest among the groups gnomAD compares: Non-Finnish European, 0.000085%; no homozygotes.

Submission:

Labcorp Genetics (formerly Invitae), Labcorp
Classification: Uncertain significance. Last evaluated: 2024-09-23. Review status: criteria provided, single submitter. Criteria: Invitae Variant Classification Sherloc (09022015). Collection method: clinical testing. Allele origin: germline.
Comment: This sequence change replaces aspartic acid, which is acidic and polar, with histidine, which is basic and polar, at codon 1508 of the ARFGEF2 protein (p.Asp1508His). This variant is not present in population databases (gnomAD no frequency). This variant has not been reported in the literature in individuals affected with ARFGEF2-related conditions. An algorithm developed to predict the effect of missense changes on protein structure and function (PolyPhen-2) suggests that this variant is likely to be disruptive. In summary, the available evidence is currently insufficient to determine the role of this variant in disease. Therefore, it has been classified as a Variant of Uncertain Significance.

NM_006420.3(ARFGEF2):c.4522G>C (p.Asp1508His)

Gene: ARFGEF2 (ARF guanine nucleotide exchange factor 2; plus strand). Cytogenetic location: 20q13.13.
Variant type: single nucleotide variant.
Coding change: c.4522G>C on transcript NM_006420.3 (MANE Select); coding-DNA position 4522, G replaced by C.
Protein change: p.Asp1508His; replaces aspartic acid 1508 with histidine.
Molecular consequence: missense variant.
Genome position (GRCh38, 1-based): chr20:49,018,896, G>C. VCF-style: chr20-49018896-G-C. GRCh37 (hg19) VCF-style: chr20-47635433-G-C.
Other names: c.4519G>C, p.Asp1507His (NM_001410846.1); short protein forms D1508H, D1507H.
Identifiers: ClinVar variation 3717811 (VCV003717811.2).
Genomic context (GRCh38, chr20:49,018,896, plus strand): 5'-TATCATGAAGAAAAGTGAGCATTGTGTTTCCCTCTGGTTTACATTTAGGATGTGGATCTG[G>C]ACCGCCAGTCTTTAAGCAGCATAGATAAAAATCCCTCTGAGAGGGGACAGAGCCAGCTCT-3'
Protein context (NP_006411.2, residues 1498-1518): SSEKHLDVDL[Asp1508His]RQSLSSIDKN